The following is an entry in ClinVar:

NM_000059.4(BRCA2):c.9458G>A (p.Gly3153Asp)

Gene: BRCA2 (BRCA2 DNA repair associated; plus strand). Cytogenetic location: 13q13.1.
Variant type: single nucleotide variant.
Coding change: c.9458G>A on transcript NM_000059.4 (MANE Select); coding-DNA position 9458, G replaced by A.
Protein change: p.Gly3153Asp; replaces glycine 3153 with aspartic acid.
Molecular consequence: missense variant.
Genome position (GRCh38, 1-based): chr13:32,394,890, G>A. VCF-style: chr13-32394890-G-A. GRCh37 (hg19) VCF-style: chr13-32969027-G-A.
Other names: short protein forms G3153D.
Identifiers: ClinVar variation 823261 (VCV000823261.6), dbSNP rs80359220, ClinGen allele CA387761684.

ClinVar aggregate classification (germline): Conflicting classifications of pathogenicity. Review status: criteria provided, conflicting classifications (1 of 4 stars). 2 submissions from 2 submitters: Uncertain significance (1); Likely benign (1). Last evaluated 2025-06-22.

Conditions:
Hereditary cancer-predisposing syndrome. Also called: Tumor predisposition; Hereditary Cancer Syndrome; Neoplastic Syndromes, Hereditary; Hereditary neoplastic syndrome. Identifiers: Orphanet 140162, MedGen C0027672, MeSH D009386, MONDO:0015356.
Hereditary breast ovarian cancer syndrome. Also called: Hereditary breast and ovarian cancer; Breast and ovarian cancer; Hereditary breast and/or ovarian cancer syndrome; Hereditary breast and ovarian cancer syndrome; BRCA1- and BRCA2-Associated Hereditary Breast and Ovarian Cancer; Hereditary breast and ovarian cancer syndrome (HBOC). Identifiers: Orphanet 145, MedGen C0677776, MeSH D061325, MONDO:0003582. Disease mechanism: loss of function.

Submissions (2):

Labcorp Genetics (formerly Invitae), Labcorp
Classification: Uncertain significance for Hereditary breast ovarian cancer syndrome. Last evaluated: 2025-06-22. Review status: criteria provided, single submitter. Criteria: Invitae Variant Classification Sherloc (09022015). Collection method: clinical testing. Allele origin: germline.
Comment: This sequence change replaces glycine, which is neutral and non-polar, with aspartic acid, which is acidic and polar, at codon 3153 of the BRCA2 protein (p.Gly3153Asp). This variant is not present in population databases (gnomAD no frequency). This variant has not been reported in the literature in individuals affected with BRCA2-related conditions. ClinVar contains an entry for this variant (Variation ID: 823261). Invitae Evidence Modeling of protein sequence and biophysical properties (such as structural, functional, and spatial information, amino acid conservation, physicochemical variation, residue mobility, and thermodynamic stability) indicates that this missense variant is not expected to disrupt BRCA2 protein function with a negative predictive value of 95%. In summary, the available evidence is currently insufficient to determine the role of this variant in disease. Therefore, it has been classified as a Variant of Uncertain Significance.

Ambry Genetics
Classification: Likely benign for Hereditary cancer-predisposing syndrome. Last evaluated: 2025-05-16. Review status: criteria provided, single submitter. Criteria: Ambry Variant Classification Scheme 2023. Collection method: clinical testing. Allele origin: germline.